The following is an entry in ClinVar:

ClinVar aggregate classification (germline): Uncertain significance. Review status: criteria provided, multiple submitters, no conflicts (2 of 4 stars). 2 submissions from 2 submitters: Uncertain significance (2). Last evaluated 2025-03-20.

Conditions:
Pitt-Hopkins syndrome (PTHS). Also called: MENTAL RETARDATION, SYNDROMAL, WITH INTERMITTENT HYPERVENTILATION; ENCEPHALOPATHY, SEVERE EPILEPTIC, WITH AUTONOMIC DYSFUNCTION. Identifiers: Orphanet 2896, MedGen C1970431, MONDO:0012589, OMIM 610954.

Allele frequency attached by ClinVar (database versions not stated): gnomAD exomes below 0.00001; gnomAD 0.00001; TOPMed 0.00001.
gnomAD v4.1: 6 of 1,613,770 alleles (0.00037%); highest among the groups gnomAD compares: African/African-American, 0.0013%; no homozygotes.

Submissions (2):

Labcorp Genetics (formerly Invitae), Labcorp
Classification: Uncertain significance for Pitt-Hopkins syndrome. Last evaluated: 2025-03-20. Review status: criteria provided, single submitter. Criteria: Invitae Variant Classification Sherloc (09022015). Collection method: clinical testing. Allele origin: germline.
Comment: This sequence change replaces glycine, which is neutral and non-polar, with serine, which is neutral and polar, at codon 316 of the TCF4 protein (p.Gly316Ser). This variant is present in population databases (no rsID available, gnomAD 0.0009%). This variant has not been reported in the literature in individuals affected with TCF4-related conditions. ClinVar contains an entry for this variant (Variation ID: 1335310). Invitae Evidence Modeling of protein sequence and biophysical properties (such as structural, functional, and spatial information, amino acid conservation, physicochemical variation, residue mobility, and thermodynamic stability) indicates that this missense variant is not expected to disrupt TCF4 protein function with a negative predictive value of 95%. In summary, the available evidence is currently insufficient to determine the role of this variant in disease. Therefore, it has been classified as a Variant of Uncertain Significance.

CeGaT Center for Human Genetics Tuebingen
Classification: Uncertain significance. Last evaluated: 2021-11-01. Review status: criteria provided, single submitter. Criteria: CeGaT Center For Human Genetics Tuebingen Variant Classification Criteria Version 2. Collection method: clinical testing. Allele origin: germline. Affected: yes. Observed: 1 variant allele.

NM_001083962.2(TCF4):c.946G>A (p.Gly316Ser)

Gene: TCF4 (transcription factor 4; minus strand). Cytogenetic location: 18q21.2.
Variant type: single nucleotide variant.
Coding change: c.946G>A on transcript NM_001083962.2 (MANE Select); coding-DNA position 946, G replaced by A.
Protein change: p.Gly316Ser; replaces glycine 316 with serine.
Molecular consequence: missense variant.
Genome position (GRCh38, 1-based): chr18:55,261,510, C>T on the plus strand (G>A on the coding strand, the complement: TCF4 is on the minus strand). VCF-style: chr18-55261510-C-T. GRCh37 (hg19) VCF-style: chr18-52928741-C-T.
Other names: c.556G>A, p.Gly186Ser (NM_001330605.3, NM_001348212.2, NM_001348213.2 and 1 more transcripts); c.820G>A, p.Gly274Ser (NM_001348211.2, NM_001243231.2); c.466G>A, p.Gly156Ser (NM_001348214.2, NM_001348216.2, NM_001243234.2 and 2 more transcripts); c.298G>A, p.Gly100Ser (NM_001348215.2); c.874G>A, p.Gly292Ser (NM_001348217.1, NM_001348218.2, NM_001348219.2 and 9 more transcripts); c.871G>A, p.Gly291Ser (NM_001369576.1, NM_001369578.1, NM_001369581.1 and 3 more transcripts); c.1252G>A, p.Gly418Ser (NM_001243226.3); c.964G>A, p.Gly322Ser (NM_001243228.2); and 4 more; short protein forms G100S, G156S, G186S, G245S, G274S, G291S, G292S, G314S.
Identifiers: ClinVar variation 1335310 (VCV001335310.41), dbSNP rs993457884, ClinGen allele CA300819241.